The following is an entry in ClinVar:

ClinVar aggregate classification (germline): Uncertain significance (1 of 4 stars; one submission).

Conditions:
Hereditary spastic paraplegia 39 (SPG39). Also called: SPASTIC PARAPLEGIA 39, AUTOSOMAL RECESSIVE; Spastic Paraplegia Type 39 (SPG39). Identifiers: Orphanet 139480, MedGen C2677586, MONDO:0012787, OMIM 612020.

gnomAD v4.1: 1 of 1,612,662 alleles (0.000062%); highest among the groups gnomAD compares: Non-Finnish European, 0.000085%; no homozygotes.

Submission:

Labcorp Genetics (formerly Invitae), Labcorp
Classification: Uncertain significance for Hereditary spastic paraplegia 39. Last evaluated: 2023-12-11. Review status: criteria provided, single submitter. Criteria: Invitae Variant Classification Sherloc (09022015). Collection method: clinical testing. Allele origin: germline.
Comment: This sequence change replaces arginine, which is basic and polar, with cysteine, which is neutral and slightly polar, at codon 1063 of the PNPLA6 protein (p.Arg1063Cys). This variant is not present in population databases (gnomAD no frequency). This variant has not been reported in the literature in individuals affected with PNPLA6-related conditions. ClinVar contains an entry for this variant (Variation ID: 1391212). Advanced modeling of protein sequence and biophysical properties (such as structural, functional, and spatial information, amino acid conservation, physicochemical variation, residue mobility, and thermodynamic stability) performed at Invitae indicates that this missense variant is expected to disrupt PNPLA6 protein function with a positive predictive value of 95%. In summary, the available evidence is currently insufficient to determine the role of this variant in disease. Therefore, it has been classified as a Variant of Uncertain Significance.

NM_001166114.2(PNPLA6):c.3301C>T (p.Arg1101Cys)

Gene: PNPLA6 (patatin like domain 6, lysophospholipase; plus strand). Cytogenetic location: 19p13.2.
Variant type: single nucleotide variant.
Coding change: c.3301C>T on transcript NM_001166114.2 (MANE Select); coding-DNA position 3301, C replaced by T.
Protein change: p.Arg1101Cys; replaces arginine 1101 with cysteine.
Molecular consequence: missense variant.
Genome position (GRCh38, 1-based): chr19:7,557,188, C>T. VCF-style: chr19-7557188-C-T. GRCh37 (hg19) VCF-style: chr19-7622074-C-T.
Other names: c.3331C>T, p.Arg1111Cys (NM_001166111.2); c.3106C>T, p.Arg1036Cys (NM_001166112.2); c.3187C>T, p.Arg1063Cys (NM_001166113.1, NM_006702.5); short protein forms R1111C, R1036C, R1101C, R1063C.
Identifiers: ClinVar variation 1391212 (VCV001391212.6), dbSNP rs2146110637, ClinGen allele CA403133723.